The following is an entry in ClinVar:

NM_024753.5(TTC21B):c.105T>A (p.Ser35Arg)

Gene: TTC21B (tetratricopeptide repeat domain 21B; minus strand). Cytogenetic location: 2q24.3.
Variant type: single nucleotide variant.
Coding change: c.105T>A on transcript NM_024753.5 (MANE Select); coding-DNA position 105, T replaced by A.
Protein change: p.Ser35Arg; replaces serine 35 with arginine.
Molecular consequence: missense variant.
Genome position (GRCh38, 1-based): chr2:165,949,641, A>T on the plus strand (T>A on the coding strand, the complement: TTC21B is on the minus strand). VCF-style: chr2-165949641-A-T. GRCh37 (hg19) VCF-style: chr2-166806151-A-T.
Other names: short protein forms S35R.
Identifiers: ClinVar variation 5000393 (VCV005000393.1).

ClinVar aggregate classification (germline): Uncertain significance (1 of 4 stars; one submission).

Conditions:
TTC21B-related disorder. Also called: TTC21B-related disorders; TTC21B-related condition.

gnomAD v4.1: 3 of 1,613,652 alleles (0.00019%); highest among the groups gnomAD compares: Non-Finnish European, 0.00025%; no homozygotes.

Submission:

PreventionGenetics, part of Exact Sciences
Classification: Uncertain significance for TTC21B-related condition. Last evaluated: 2025-05-15. Review status: criteria provided, single submitter. Criteria: ACMG Guidelines, 2015. Collection method: clinical testing. Allele origin: germline.
Comment: The TTC21B c.105T>A variant is predicted to result in the amino acid substitution p.Ser35Arg. To our knowledge, this variant has not been reported in the literature or in a large population database (gnomAD), indicating this variant is rare. At this time, the clinical significance of this variant is uncertain due to the absence of conclusive functional and genetic evidence.